The following is an entry in ClinVar:

NM_001048174.2(MUTYH):c.1177dup (p.Leu393fs)

Gene: MUTYH (mutY DNA glycosylase; minus strand). Cytogenetic location: 1p34.1.
Variant type: Duplication.
Coding change: c.1177dup on transcript NM_001048174.2 (MANE Select); coding-DNA position 1177, one base duplicated (C; older notation c.1177dupC).
Protein change: p.Leu393fs; shifts the reading frame from leucine 393.
Molecular consequence: frameshift variant. On other transcripts: non-coding transcript variant (7).
Genome position (GRCh38, 1-based): chr1:45,331,482, G duplicated on the plus strand (C on the coding strand, the reverse complement: MUTYH is on the minus strand). VCF-style (leftmost placement, unchanged base first): chr1-45331481-A-AG. GRCh37 (hg19) VCF-style: chr1-45797153-A-AG.
Other names: c.1261dupC (NM_001128425.1); c.1177dup, p.Leu393fs (NM_001048171.2, NM_001048173.2, NM_001293195.2 and 6 more transcripts); c.1180dup, p.Leu394fs (NM_001048172.2, NM_001407071.1, NM_001407078.1 and 1 more transcripts); c.1261dup, p.Leu421fs (NM_001128425.2); c.1222dup, p.Leu408fs (NM_001293190.2); c.1210dup, p.Leu404fs (NM_001293191.2, NM_001407069.1, NM_001407077.1); c.901dup, p.Leu301fs (NM_001293192.2, NM_001293196.2, NM_001407091.1); c.832dup, p.Leu278fs (NM_001350650.2, NM_001350651.2, NM_001407082.1); and 6 more; short protein forms L400fs, L404fs, L278fs, L365fs, L301fs, L393fs, L407fs, L379fs.
Identifiers: ClinVar variation 3400157 (VCV003400157.1).
Genomic context (GRCh38, chr1:45,331,481, plus strand): 5'-TCCCCAAGGTGCCGGAGGTGCGTGGCTGGGAGGGGCCCAGCCCAACGCTGTAGTTCCTGC[A>AG]GCAGGGCCTTGCGCTGAAGCTGCTCTGAGGGCTCCCAGGTCACGGACGGGAACTCCCACA-3'

ClinVar aggregate classification (germline): Pathogenic (1 of 4 stars; one submission).

Conditions:
Hereditary cancer-predisposing syndrome. Also called: Hereditary Cancer Syndrome; Tumor predisposition; Hereditary neoplastic syndrome; Neoplastic Syndromes, Hereditary. Identifiers: Orphanet 140162, MedGen C0027672, MeSH D009386, MONDO:0015356.

Submission:

Ambry Genetics
Classification: Pathogenic for Hereditary cancer-predisposing syndrome. Last evaluated: 2024-12-10. Review status: criteria provided, single submitter. Criteria: Ambry Variant Classification Scheme 2023. Collection method: clinical testing. Allele origin: germline.
Comment: The c.1261dupC pathogenic mutation, located in coding exon 13 of the MUTYH gene, results from a duplication of C at nucleotide position 1261, causing a translational frameshift with a predicted alternate stop codon (p.L421Pfs*111). This alteration occurs at the 3' terminus of theMUTYH gene, is not expected to trigger nonsense-mediated mRNA decay, and impacts the last 23.5% of the protein. However, premature stop codons are typically deleterious in nature and a significant portion of the protein is affected and the impacted region is critical for protein function (Ambry internal data). This variant is considered to be rare based on population cohorts in the Genome Aggregation Database (gnomAD). Based on the supporting evidence, this variant is interpreted as a disease-causing mutation.